The following is an entry in ClinVar:

NM_000212.3(ITGB3):c.*517C>T

Genes: ITGB3 (integrin subunit beta 3; plus strand), EFCAB13-DT (EFCAB13 divergent transcript; minus strand). Cytogenetic location: 17q21.32.
Variant type: single nucleotide variant.
Coding change: c.*517C>T on transcript NM_000212.3 (MANE Select); 517 bases downstream of the stop codon, C replaced by T.
Molecular consequence: 3 prime UTR variant.
Genome position (GRCh38, 1-based): chr17:47,310,721, C>T. VCF-style: chr17-47310721-C-T. GRCh37 (hg19) VCF-style: chr17-45388087-C-T.
Other names: c.*517C>T (NM_000212.2).
Identifiers: ClinVar variation 323881 (VCV000323881.7), dbSNP rs192380904, ClinGen allele CA10646031.

ClinVar aggregate classification (germline): Benign. Review status: reviewed by expert panel (3 of 4 stars). 2 submissions from 2 submitters: Benign (1). 1 of the submissions does not count toward it. Last evaluated 2020-08-27.

Conditions:
Glanzmann thrombasthenia. Also called: PLATELET GLYCOPROTEIN IIb-IIIa DEFICIENCY; Thrombasthenia; Glanzmann's thrombasthenia; BLEEDING DISORDER, PLATELET-TYPE, 2; THROMBASTHENIA OF GLANZMANN AND NAEGELI. Identifiers: Orphanet 849, MedGen C0040015, MONDO:0100326.

Allele frequency attached by ClinVar (database versions not stated): gnomAD exomes 0.00115; gnomAD 0.00555 and 0.00587; 1000 Genomes Project 0.00579; TOPMed 0.00635; 1000 Genomes Project 30x 0.00703.
gnomAD v4.1: 890 of 194,964 alleles (0.46%); highest among the groups gnomAD compares: African/African-American, 1.9%; 9 homozygotes.

Submissions (2):

ClinGen Platelet Disorders Variant Curation Expert Panel, ClinGen
Classification: Benign for Glanzmann thrombasthenia. Last evaluated: 2020-08-27. Review status: reviewed by expert panel. Criteria: ClinGen Platelet ACMG Specifications v2. Collection method: curation. Allele origin: germline. Inheritance: Autosomal recessive inheritance.
Comment: The NM_000212.2:c.*517C>T variant in the 3'-UTR of the ITGB3 gene is found at a high frequency, 0.02262 (2%; 197/8710 alleles) with 3 homozygotes in the African population of gnomAD v2.1.1, meeting the GT-specific BA1 threshold of >0.0024. In summary, the variant meets criteria to be classified as benign. GT-specific criteria met: BA1.

Illumina Laboratory Services, Illumina
Classification: Benign for Glanzmann thrombasthenia 1. Last evaluated: 2018-01-12. Review status: criteria provided, single submitter. Criteria: ICSL Variant Classification Criteria 13 December 2019. Collection method: clinical testing. Allele origin: germline. Not counted in ClinVar's aggregate classification.
Comment: This variant was observed in the ICSL laboratory as part of a predisposition screen in an ostensibly healthy population. It had not been previously curated by ICSL or reported in the Human Gene Mutation Database (HGMD: prior to June 1st, 2018), and was therefore a candidate for classification through an automated scoring system. Utilizing variant allele frequency, disease prevalence and penetrance estimates, and inheritance mode, an automated score was calculated to assess if this variant is too frequent to cause the disease. Based on the score and internal cut-off values, a variant classified as benign is not then subjected to further curation. The score for this variant resulted in a classification of benign for this disease.